The following is an entry in ClinVar:

ClinVar aggregate classification (germline): Pathogenic (1 of 4 stars; one submission).

Submission:

Labcorp Genetics (formerly Invitae), Labcorp
Classification: Pathogenic. Last evaluated: 2022-02-04. Review status: criteria provided, single submitter. Criteria: Invitae Variant Classification Sherloc (09022015). Collection method: clinical testing. Allele origin: germline.
Comment: This variant has not been reported in the literature in individuals affected with USH2A-related conditions. For these reasons, this variant has been classified as Pathogenic. This variant disrupts a region of the USH2A protein in which other variant(s) (p.Val1833Glu) have been determined to be pathogenic (PMID: 17405132; external communication). This suggests that this is a clinically significant region of the protein, and that variants that disrupt it are likely to be disease-causing. This variant is a gross deletion of the genomic region encompassing exon(s) 25-27 of the USH2A gene. This variant would be expected to be in-frame, preserving the integrity of the reading frame.

Literature cited by the submitters: PubMed 17405132.

NC_000001.10:g.(?_216251421)_(216258229_?)del

Gene: USH2A (usherin; minus strand). Cytogenetic location: 1q41.
Variant type: Deletion.
Identifiers: ClinVar variation 2427739 (VCV002427739.4).